The following is an entry in ClinVar:

ClinVar aggregate classification (germline): Likely pathogenic. Review status: criteria provided, multiple submitters, no conflicts (2 of 4 stars). 2 submissions from 2 submitters: Likely pathogenic (2). Last evaluated 2024-11-25.

Conditions:
Usher syndrome type 1D (USH1D). Also called: USHER SYNDROME, TYPE ID. Identifiers: Orphanet 231169, Orphanet 886, MedGen C1832845, MONDO:0010984, OMIM 601067.
Usher syndrome type 1F (USH1F). Also called: USHER SYNDROME, TYPE IF. Identifiers: Orphanet 231169, Orphanet 886, MedGen C1865885, MONDO:0011186, OMIM 602083.

Allele frequency attached by ClinVar (database versions not stated): gnomAD exomes below 0.00001.

Submissions (2):

Natera, Inc.
Classification: Likely pathogenic for Usher syndrome type 1F. Last evaluated: 2024-11-25. Review status: criteria provided, single submitter. Criteria: Natera Variant Classification Schema (03/2026). Collection method: clinical testing. Allele origin: germline.
Comment: The c.3488del variant in PCDH15 is a frameshift variant predicted to shift the reading frame beginning at codon 1163 and leads to a stop codon 4 codons downstream. This variant is expected to result in nonsense mediated decay, truncation, or a dysfunctional protein product. This variant is rare in the general population with a frequency below the threshold expected for the associated phenotype(s). Given the available evidence, this variant is classified as Likely Pathogenic.

Myriad Genetics, Inc.
Classification: Likely pathogenic for Usher syndrome type 1D. Last evaluated: 2021-11-15. Review status: criteria provided, single submitter. Criteria: Myriad Women's Health Autosomal Recessive and X-Linked Classification Criteria (2021). Collection method: clinical testing. Allele origin: unknown.
Comment: NM_033056.3(PCDH15):c.3488delT(V1163Dfs*4) is expected to be pathogenic in the context of PCDH15-related disorders. This variant is predicted to lead to an abnormal or absent protein product due to the creation of a premature termination codon in PCDH15, a gene where loss-of-function variants are known to be pathogenic. Please note: this variant was assessed in the context of healthy population screening.

NM_001384140.1(PCDH15):c.3488del (p.Val1163fs)

Gene: PCDH15 (protocadherin related 15; minus strand). Cytogenetic location: 10q21.1.
Variant type: Deletion.
Coding change: c.3488del on transcript NM_001384140.1 (MANE Select); coding-DNA position 3488, one base deleted (T; older notation c.3488delT).
Protein change: p.Val1163fs; shifts the reading frame from valine 1163.
Molecular consequence: frameshift variant.
Genome position (GRCh38, 1-based): chr10:53,903,256, A deleted on the plus strand (T on the coding strand, the reverse complement: PCDH15 is on the minus strand). VCF-style (leftmost placement, unchanged base first): chr10-53903255-TA-T. GRCh37 (hg19) VCF-style: chr10-55663015-TA-T.
Other names: c.3503del, p.Val1168fs (NM_001142763.2, NM_001142771.2); c.3488del, p.Val1163fs (NM_001142764.2, NM_001142766.2, NM_001142770.3 and 4 more transcripts); c.3275del, p.Val1092fs (NM_001142765.2); c.3377del, p.Val1126fs (NM_001142767.2); c.3422del, p.Val1141fs (NM_001142768.2, NM_001142773.2, NM_001354404.2); c.3524delT, p.Val1175Aspfs (NM_001142769.4); c.3509del, p.Val1170fs (NM_001354411.2); short protein forms V1092fs, V1126fs, V1141fs, V1163fs, V1168fs, V1170fs, V1175fs.
Identifiers: ClinVar variation 1724626 (VCV001724626.3), dbSNP rs2493949917, ClinGen allele CA2580081843.